The following is an entry in ClinVar:

NM_005431.2(XRCC2):c.116T>C (p.Val39Ala)

Gene: XRCC2 (X-ray repair cross complementing 2; minus strand). Cytogenetic location: 7q36.1.
Variant type: single nucleotide variant.
Coding change: c.116T>C on transcript NM_005431.2 (MANE Select); coding-DNA position 116, T replaced by C.
Protein change: p.Val39Ala; replaces valine 39 with alanine.
Molecular consequence: missense variant.
Genome position (GRCh38, 1-based): chr7:152,660,706, A>G on the plus strand (T>C on the coding strand, the complement: XRCC2 is on the minus strand). VCF-style: chr7-152660706-A-G. GRCh37 (hg19) VCF-style: chr7-152357791-A-G.
Other names: short protein forms V39A.
Identifiers: ClinVar variation 1739279 (VCV001739279.8), dbSNP rs757019795, ClinGen allele CA4582401.
Genomic context (GRCh38, chr7:152,660,706, plus strand): 5'-GAAAAATCCTTTTATAAAGATTTGCATTTATTTATATAAAGGTTGTATTTTTTACCATGC[A>G]CAGGTGAATCTTCATCAGCAAACAGATTTGGTTCTATTTCTTTCAAGGAACTTCTACCTT-3'
Protein context (NP_005422.1, residues 29-49): PNLFADEDSP[Val39Ala]HGDILEFHGP

ClinVar aggregate classification (germline): Uncertain significance. Review status: criteria provided, multiple submitters, no conflicts (2 of 4 stars). 2 submissions from 2 submitters: Uncertain significance (2). Last evaluated 2025-03-22.

Conditions:
Hereditary cancer-predisposing syndrome. Also called: Hereditary Cancer Syndrome; Hereditary neoplastic syndrome; Neoplastic Syndromes, Hereditary; Tumor predisposition. Identifiers: Orphanet 140162, MedGen C0027672, MeSH D009386, MONDO:0015356.

Allele frequency attached by ClinVar (database versions not stated): ExAC 0.00001.
gnomAD v4.1: 10 of 1,610,040 alleles (0.00062%); highest among the groups gnomAD compares: South Asian, 0.011%; no homozygotes.

Submissions (2):

Ambry Genetics
Classification: Uncertain significance for Hereditary cancer-predisposing syndrome. Last evaluated: 2025-03-22. Review status: criteria provided, single submitter. Criteria: Ambry Variant Classification Scheme 2023. Collection method: clinical testing. Allele origin: germline.
Comment: The p.V39A variant (also known as c.116T>C), located in coding exon 2 of the XRCC2 gene, results from a T to C substitution at nucleotide position 116. The valine at codon 39 is replaced by alanine, an amino acid with similar properties. This amino acid position is conserved. In addition, this alteration is predicted to be tolerated by in silico analysis. Since supporting evidence is limited at this time, the clinical significance of this alteration remains unclear.

Labcorp Genetics (formerly Invitae), Labcorp
Classification: Uncertain significance. Last evaluated: 2022-01-05. Review status: criteria provided, single submitter. Criteria: Invitae Variant Classification Sherloc (09022015). Collection method: clinical testing. Allele origin: germline.
Comment: This sequence change replaces valine, which is neutral and non-polar, with alanine, which is neutral and non-polar, at codon 39 of the XRCC2 protein (p.Val39Ala). This variant is present in population databases (rs757019795, gnomAD 0.01%). This variant has not been reported in the literature in individuals affected with XRCC2-related conditions. Algorithms developed to predict the effect of missense changes on protein structure and function are either unavailable or do not agree on the potential impact of this missense change (SIFT: "Deleterious"; PolyPhen-2: "Possibly Damaging"; Align-GVGD: "Class C0"). In summary, the available evidence is currently insufficient to determine the role of this variant in disease. Therefore, it has been classified as a Variant of Uncertain Significance.